The following is an entry in ClinVar:

NM_018136.5(ASPM):c.1199del (p.Asn400fs)

Gene: ASPM (assembly factor for spindle microtubules; minus strand). Cytogenetic location: 1q31.3.
Variant type: Deletion.
Coding change: c.1199del on transcript NM_018136.5 (MANE Select); coding-DNA position 1199, one base deleted (A; older notation c.1199delA).
Protein change: p.Asn400fs; shifts the reading frame from asparagine 400.
Molecular consequence: frameshift variant.
Genome position (GRCh38, 1-based): chr1:197,143,053, T deleted on the plus strand (A on the coding strand, the reverse complement: ASPM is on the minus strand); the first of 2 consecutive T bases (chr1:197,143,053-197,143,054); deleting either gives the same sequence. VCF-style (leftmost placement, unchanged base first): chr1-197143052-GT-G. GRCh37 (hg19) VCF-style: chr1-197112182-GT-G.
Other names: c.1199del, p.Asn400fs (NM_001206846.2); short protein forms N400fs.
Identifiers: ClinVar variation 2431794 (VCV002431794.2), dbSNP rs2527403805, ClinGen allele CA2580061826.

ClinVar aggregate classification (germline): Pathogenic (1 of 4 stars; one submission).

Conditions:
Microcephaly 5, primary, autosomal recessive (MCPH5). Also called: ASPM Primary Microcephaly. Identifiers: Orphanet 2512, MedGen C1837501, MONDO:0012106, OMIM 608716.

Submission:

Laboratorio de Genetica e Diagnostico Molecular, Hospital Israelita Albert Einstein
Classification: Pathogenic for Microcephaly 5, primary, autosomal recessive. Last evaluated: 2022-12-02. Review status: criteria provided, single submitter. Criteria: ACMG Guidelines, 2015. Collection method: clinical testing. Allele origin: germline. Affected: yes.
Comment: ACMG classification criteria: PVS1 very strong, PM2 moderated, PM3 supporting